The following is an entry in ClinVar:

NM_001277115.2(DNAH11):c.10del (p.Gln4fs)

Gene: DNAH11 (dynein axonemal heavy chain 11; plus strand). Cytogenetic location: 7p15.3.
Variant type: Deletion.
Coding change: c.10del on transcript NM_001277115.2 (MANE Select); coding-DNA position 10, one base deleted (C; older notation c.10delC).
Protein change: p.Gln4fs; shifts the reading frame from glutamine 4.
Molecular consequence: frameshift variant.
Genome position (GRCh38, 1-based): chr7:21,543,255, C deleted; the last of 3 consecutive C bases (chr7:21,543,253-21,543,255); deleting any one gives the same sequence. VCF-style (leftmost placement, unchanged base first): chr7-21543252-GC-G. GRCh37 (hg19) VCF-style: chr7-21582870-GC-G.
Other names: c.10delC, p.Gln4Argfs (NM_003777.3); short protein forms Q4fs.
Identifiers: ClinVar variation 2831053 (VCV002831053.3), dbSNP rs1411593986, ClinGen allele CA836667560.

ClinVar aggregate classification (germline): Pathogenic (1 of 4 stars; one submission).

Conditions:
Primary ciliary dyskinesia. Also called: Ciliary dyskinesia. Identifiers: Orphanet 244, MedGen C0008780, MONDO:0016575, HP:0012265.

Submission:

Labcorp Genetics (formerly Invitae), Labcorp
Classification: Pathogenic for Primary ciliary dyskinesia. Last evaluated: 2023-04-02. Review status: criteria provided, single submitter. Criteria: Invitae Variant Classification Sherloc (09022015). Collection method: clinical testing. Allele origin: germline.
Comment: This variant has not been reported in the literature in individuals affected with DNAH11-related conditions. For these reasons, this variant has been classified as Pathogenic. This variant is not present in population databases (gnomAD no frequency). This sequence change creates a premature translational stop signal (p.Gln4Argfs*18) in the DNAH11 gene. It is expected to result in an absent or disrupted protein product. Loss-of-function variants in DNAH11 are known to be pathogenic (PMID: 18022865, 20513915, 22184204).

Literature cited by the submitters: PubMed 18022865; PubMed 20513915; PubMed 22184204.